The following is an entry in ClinVar:

NM_001375380.1(EBF3):c.1384C>T (p.Arg462Cys)

Gene: EBF3 (EBF transcription factor 3; minus strand). Cytogenetic location: 10q26.3.
Variant type: single nucleotide variant.
Coding change: c.1384C>T on transcript NM_001375380.1 (MANE Select); coding-DNA position 1384, C replaced by T.
Protein change: p.Arg462Cys; replaces arginine 462 with cysteine.
Molecular consequence: missense variant. On other transcripts: intron variant (1).
Genome position (GRCh38, 1-based): chr10:129,841,021, G>A on the plus strand (C>T on the coding strand, the complement: EBF3 is on the minus strand). VCF-style: chr10-129841021-G-A. GRCh37 (hg19) VCF-style: chr10-131639285-G-A.
Other names: c.1357C>T, p.Arg453Cys (NM_001005463.3, NM_001375390.1); c.1384C>T, p.Arg462Cys (NM_001375379.1, NM_001375389.1, NM_001375391.1); c.1346-579C>T (NM_001375392.1); short protein forms R453C, R462C.
Identifiers: ClinVar variation 4687563 (VCV004687563.1).

ClinVar aggregate classification (germline): Uncertain significance (1 of 4 stars; one submission).

gnomAD v4.1: 10 of 1,599,280 alleles (0.00063%); highest among the groups gnomAD compares: Admixed American, 0.0034%; no homozygotes.

Submission:

Women's Health and Genetics/Laboratory Corporation of America, LabCorp
Classification: Uncertain significance. Last evaluated: 2025-10-06. Review status: criteria provided, single submitter. Criteria: LabCorp Variant Classification Summary - May 2015. Collection method: clinical testing. Allele origin: germline.
Comment: Variant summary: EBF3 c.1357C>T (p.Arg453Cys) results in a non-conservative amino acid change in the encoded protein sequence. Algorithms developed to predict the effect of missense changes on protein structure and function are either unavailable or do not agree on the potential impact of this missense change. The variant allele was found at a frequency of 8.4e-06 in 238054 control chromosomes. The available data on variant occurrences in the general population are insufficient to allow any conclusion about variant significance. To our knowledge, no occurrence of c.1357C>T in individuals affected with EBF3-related conditions and no experimental evidence demonstrating its impact on protein function have been reported. No submitters have cited clinical-significance assessments for this variant to ClinVar. Based on the evidence outlined above, the variant was classified as uncertain significance.